The following is an entry in ClinVar:

NM_000531.6(OTC):c.596A>T (p.Asn199Ile)

Gene: OTC (ornithine transcarbamylase; plus strand). Cytogenetic location: Xp11.4.
Variant type: single nucleotide variant.
Coding change: c.596A>T on transcript NM_000531.6 (MANE Select); coding-DNA position 596, A replaced by T.
Protein change: p.Asn199Ile; replaces asparagine 199 with isoleucine.
Molecular consequence: missense variant.
Genome position (GRCh38, 1-based): chrX:38,403,673, A>T. VCF-style: chrX-38403673-A-T. GRCh37 (hg19) VCF-style: chrX-38262926-A-T.
Other names: c.596A>T, p.Asn199Ile (NM_001407092.1); short protein forms N199I.
Identifiers: ClinVar variation 2629679 (VCV002629679.1), dbSNP rs72558406, ClinGen allele CA412725489.

ClinVar aggregate classification (germline): Pathogenic (1 of 4 stars; one submission).

Conditions:
OTC-related disorder. Also called: OTC-related condition.

Submission:

PreventionGenetics, part of Exact Sciences
Classification: Pathogenic for OTC-related condition. Last evaluated: 2023-02-10. Review status: criteria provided, single submitter. Criteria: ACMG Guidelines, 2015. Collection method: clinical testing. Allele origin: germline.
Comment: The OTC c.596A>T variant is predicted to result in the amino acid substitution p.Asn199Ile. To our knowledge, this variant has not been reported in the literature or in a large population database, indicating this variant is rare. Different amino acid substitutions impacting the p.Asn199 amino acid have been reported in patients with OTC deficiency (e.g., p.Asn199His in Ali et al. 2018. PubMed ID: 30175132; p.Asn199Asp in Yamaguchi et al. 2006. PubMed ID: 16786505; p.Asn199Ser in Tuchman et al. 2002. PubMed ID: 11793468). Numerous other amino acid substitutions surrounding this location have also been reported in patients with OTC deficiency (Human Gene Mutation Database). Taken together, the c.596A>T (p.Asn199Ile) variant is interpreted as likely pathogenic.